The following is an entry in ClinVar:

ClinVar aggregate classification (germline): Uncertain significance (1 of 4 stars; one submission).

Conditions:
Baller-Gerold syndrome (BGS). Also called: CRANIOSYNOSTOSIS WITH RADIAL DEFECTS. Identifiers: Orphanet 1225, MedGen C0265308, MONDO:0009039, OMIM 218600.

Submission:

Labcorp Genetics (formerly Invitae), Labcorp
Classification: Uncertain significance for Baller-Gerold syndrome. Last evaluated: 2021-12-14. Review status: criteria provided, single submitter. Criteria: Invitae Variant Classification Sherloc (09022015). Collection method: clinical testing. Allele origin: germline.
Comment: In summary, the available evidence is currently insufficient to determine the role of this variant in disease. Therefore, it has been classified as a Variant of Uncertain Significance. Algorithms developed to predict the effect of missense changes on protein structure and function output the following: SIFT: "Not Available"; PolyPhen-2: "Not Available"; Align-GVGD: "Not Available". The arginine amino acid residue is found in multiple mammalian species, which suggests that this missense change does not adversely affect protein function. ClinVar contains an entry for this variant (Variation ID: 574895). This variant has not been reported in the literature in individuals affected with RECQL4-related conditions. This variant is not present in population databases (gnomAD no frequency). This sequence change replaces serine, which is neutral and polar, with arginine, which is basic and polar, at codon 246 of the RECQL4 protein (p.Ser246Arg).

NM_004260.4(RECQL4):c.736A>C (p.Ser246Arg)

Gene: RECQL4 (RecQ like helicase 4; minus strand). Cytogenetic location: 8q24.3.
Variant type: single nucleotide variant.
Coding change: c.736A>C on transcript NM_004260.4 (MANE Select); coding-DNA position 736, A replaced by C.
Protein change: p.Ser246Arg; replaces serine 246 with arginine.
Molecular consequence: missense variant.
Genome position (GRCh38, 1-based): chr8:144,516,383, T>G on the plus strand (A>C on the coding strand, the complement: RECQL4 is on the minus strand). VCF-style: chr8-144516383-T-G. GRCh37 (hg19) VCF-style: chr8-145741767-T-G.
Other names: short protein forms S246R.
Identifiers: ClinVar variation 574895 (VCV000574895.5), dbSNP rs1564807240, ClinGen allele CA372689464.
Genomic context (GRCh38, chr8:144,516,383, plus strand): 5'-CGTTCCATCTCCGCTTCTCGCCTCCACTGCTGCTGGGCTGGGGGCTCCCCACACGGATGC[T>G]GACTTCTTGGAAGGCTGAAGCCTCTGGGCCCTGGGAGCCAGCACCAGGACCAAGGACAGC-3'
Protein context (NP_004251.4, residues 236-256): GPEASAFQEV[Ser246Arg]IRVGSPQPSS